The following is an entry in ClinVar:

NM_019892.6(INPP5E):c.1387+5G>C

Gene: INPP5E (inositol polyphosphate-5-phosphatase E; minus strand). Cytogenetic location: 9q34.3.
Variant type: single nucleotide variant.
Coding change: c.1387+5G>C on transcript NM_019892.6 (MANE Select); 5 bases into the intron after coding-DNA position 1387, G replaced by C.
Molecular consequence: intron variant.
Genome position (GRCh38, 1-based): chr9:136,432,474, C>G on the plus strand (G>C on the coding strand, the complement: INPP5E is on the minus strand). VCF-style: chr9-136432474-C-G. GRCh37 (hg19) VCF-style: chr9-139326926-C-G.
Other names: c.1384+5G>C (NM_001318502.2).
Identifiers: ClinVar variation 1396304 (VCV001396304.9), dbSNP rs2131607798, ClinGen allele CA2573144377.

ClinVar aggregate classification (germline): Uncertain significance (1 of 4 stars; one submission).

Conditions:
Joubert syndrome. Also called: CEREBELLOPARENCHYMAL DISORDER IV; JOUBERT-BOLTSHAUSER SYNDROME; Familial aplasia of the vermis. Identifiers: Orphanet 475, MedGen C5979921, MONDO:0018772.

gnomAD v4.1: 1 of 1,543,204 alleles (0.000065%); highest among the groups gnomAD compares: Non-Finnish European, 0.000088%; no homozygotes.

Submission:

Labcorp Genetics (formerly Invitae), Labcorp
Classification: Uncertain significance for Joubert syndrome. Last evaluated: 2022-06-27. Review status: criteria provided, single submitter. Criteria: Invitae Variant Classification Sherloc (09022015). Collection method: clinical testing. Allele origin: germline.
Comment: In summary, the available evidence is currently insufficient to determine the role of this variant in disease. Therefore, it has been classified as a Variant of Uncertain Significance. Variants that disrupt the consensus splice site are a relatively common cause of aberrant splicing (PMID: 17576681, 9536098). Algorithms developed to predict the effect of sequence changes on RNA splicing suggest that this variant may disrupt the consensus splice site. This variant has not been reported in the literature in individuals affected with INPP5E-related conditions. This variant is not present in population databases (gnomAD no frequency). This sequence change falls in intron 6 of the INPP5E gene. It does not directly change the encoded amino acid sequence of the INPP5E protein. It affects a nucleotide within the consensus splice site.

Literature cited by the submitters: PubMed 17576681; PubMed 9536098.